The following is an entry in ClinVar:

NM_001165963.4(SCN1A):c.5309T>A (p.Ile1770Asn)

Genes: SCN1A (sodium voltage-gated channel alpha subunit 1; minus strand), LOC102724058 (uncharacterized LOC102724058; plus strand). Cytogenetic location: 2q24.3.
Variant type: single nucleotide variant.
Coding change: c.5309T>A on transcript NM_001165963.4 (MANE Select); coding-DNA position 5309, T replaced by A.
Protein change: p.Ile1770Asn; replaces isoleucine 1770 with asparagine.
Molecular consequence: missense variant. On other transcripts: non-coding transcript variant (1).
Genome position (GRCh38, 1-based): chr2:165,991,966, A>T on the plus strand (T>A on the coding strand, the complement: SCN1A is on the minus strand). VCF-style: chr2-165991966-A-T. GRCh37 (hg19) VCF-style: chr2-166848476-A-T.
Other names: c.5225T>A, p.Ile1742Asn (NM_001165964.3, NM_001353957.2, NM_001353958.2); c.5309T>A, p.Ile1770Asn (NM_001202435.3, NM_001353948.2); c.5276T>A, p.Ile1759Asn (NM_001353949.2, NM_001353950.2, NM_001353951.2 and 2 more transcripts); c.5273T>A, p.Ile1758Asn (NM_001353954.2, NM_001353955.2); c.5222T>A, p.Ile1741Asn (NM_001353960.2); c.2867T>A, p.Ile956Asn (NM_001353961.2); short protein forms I1741N, I1742N, I1759N, I1770N, I956N, I1758N.
Identifiers: ClinVar variation 2734296 (VCV002734296.3), dbSNP rs2468333910, ClinGen allele CA349068195.

ClinVar aggregate classification (germline): Pathogenic (1 of 4 stars; one submission).

Conditions:
Early-infantile DEE. Also called: Early infantile epileptic encephalopathy; Early infantile epileptic encephalopathy with suppression bursts; Ohtahara syndrome. Identifiers: Orphanet 1934, MedGen C0393706, MONDO:0800491.

Submission:

Labcorp Genetics (formerly Invitae), Labcorp
Classification: Pathogenic for Early-infantile DEE. Last evaluated: 2023-09-19. Review status: criteria provided, single submitter. Criteria: Invitae Variant Classification Sherloc (09022015). Collection method: clinical testing. Allele origin: germline.
Comment: This sequence change replaces isoleucine, which is neutral and non-polar, with asparagine, which is neutral and polar, at codon 1770 of the SCN1A protein (p.Ile1770Asn). This variant is not present in population databases (gnomAD no frequency). This missense change has been observed in individual(s) with SCN1A-related epilepsy (PMID: 32090326, 34106054). In at least one individual the variant was observed to be de novo. Advanced modeling of protein sequence and biophysical properties (such as structural, functional, and spatial information, amino acid conservation, physicochemical variation, residue mobility, and thermodynamic stability) performed at Invitae indicates that this missense variant is expected to disrupt SCN1A protein function. For these reasons, this variant has been classified as Pathogenic.

Literature cited by the submitters: PubMed 32090326; PubMed 34106054.